The following is an entry in ClinVar:

ClinVar aggregate classification (germline): Conflicting classifications of pathogenicity. Review status: criteria provided, conflicting classifications (1 of 4 stars). 2 submissions from 2 submitters: Uncertain significance (1); Likely benign (1). Last evaluated 2025-04-09.

Conditions:
Dilated cardiomyopathy 1G (CMD1G). Identifiers: Orphanet 154, MedGen C1858763, MONDO:0011400, OMIM 604145.
Autosomal recessive limb-girdle muscular dystrophy type 2J (LGMDR10). Also called: Limb-girdle muscular dystrophy, type 2J; MUSCULAR DYSTROPHY, LIMB-GIRDLE, AUTOSOMAL RECESSIVE 10. Identifiers: Orphanet 140922, MedGen C1837342, MONDO:0012127, OMIM 608807.

Submissions (2):

Molecular Diagnostic Laboratory for Inherited Cardiovascular Disease, Montreal Heart Institute
Classification: Likely benign. Last evaluated: 2025-04-09. Review status: criteria provided, single submitter. Criteria: ACMG Guidelines, 2015. Collection method: clinical testing. Allele origin: germline. Affected: no.
Comment: BP1

Labcorp Genetics (formerly Invitae), Labcorp
Classification: Uncertain significance for Dilated cardiomyopathy 1G; Autosomal recessive limb-girdle muscular dystrophy type 2J. Last evaluated: 2016-09-02. Review status: criteria provided, single submitter. Criteria: Invitae Variant Classification Sherloc (09022015). Collection method: clinical testing. Allele origin: germline.

NM_001267550.2(TTN):c.33775G>A (p.Glu11259Lys)

Gene: TTN (titin; minus strand). Cytogenetic location: 2q31.2.
Variant type: single nucleotide variant.
Coding change: c.33775G>A on transcript NM_001267550.2 (MANE Select); coding-DNA position 33775, G replaced by A.
Protein change: p.Glu11259Lys; replaces glutamic acid 11259 with lysine.
Molecular consequence: missense variant. On other transcripts: intron variant (3).
Genome position (GRCh38, 1-based): chr2:178,678,798, C>T on the plus strand (G>A on the coding strand, the complement: TTN is on the minus strand). VCF-style: chr2-178678798-C-T. GRCh37 (hg19) VCF-style: chr2-179543525-C-T.
Other names: c.32824G>A, p.Glu10942Lys (NM_001256850.1); c.30043G>A, p.Glu10015Lys (NM_133378.4); c.13283-36481G>A (NM_003319.4); c.13859-36481G>A (NM_133437.4); c.13658-36481G>A (NM_133432.3); short protein forms E11259K, E10942K, E10015K.
Identifiers: ClinVar variation 405109 (VCV000405109.4), dbSNP rs1060500563, ClinGen allele CA16610452.